The following is an entry in ClinVar:

NM_006231.4(POLE):c.700A>G (p.Ile234Val)

Gene: POLE (DNA polymerase epsilon, catalytic subunit; minus strand). Cytogenetic location: 12q24.33.
Variant type: single nucleotide variant.
Coding change: c.700A>G on transcript NM_006231.4 (MANE Select); coding-DNA position 700, A replaced by G.
Protein change: p.Ile234Val; replaces isoleucine 234 with valine.
Molecular consequence: missense variant.
Genome position (GRCh38, 1-based): chr12:132,677,598, T>C on the plus strand (A>G on the coding strand, the complement: POLE is on the minus strand). VCF-style: chr12-132677598-T-C. GRCh37 (hg19) VCF-style: chr12-133254184-T-C.
Other names: c.700A>G (NM_006231.2); short protein forms I234V.
Identifiers: ClinVar variation 801271 (VCV000801271.10), dbSNP rs779229533, ClinGen allele CA6894234.

ClinVar aggregate classification (germline): Uncertain significance. Review status: criteria provided, multiple submitters, no conflicts (2 of 4 stars). 3 submissions from 3 submitters: Uncertain significance (3). Last evaluated 2025-12-19.

Conditions:
Hereditary cancer-predisposing syndrome. Also called: Tumor predisposition; Neoplastic Syndromes, Hereditary; Hereditary Cancer Syndrome; Hereditary neoplastic syndrome. Identifiers: Orphanet 140162, MedGen C0027672, MeSH D009386, MONDO:0015356.

Allele frequency attached by ClinVar (database versions not stated): gnomAD exomes below 0.00001 and 0.00001; ExAC 0.00001; gnomAD 0.00001; TOPMed 0.00002.
gnomAD v4.1: 5 of 1,614,094 alleles (0.00031%); highest among the groups gnomAD compares: African/African-American, 0.0027%; no homozygotes.

Submissions (3):

Labcorp Genetics (formerly Invitae), Labcorp
Classification: Uncertain significance. Last evaluated: 2025-12-19. Review status: criteria provided, single submitter. Criteria: Invitae Variant Classification Sherloc (09022015). Collection method: clinical testing. Allele origin: germline.
Comment: This sequence change replaces isoleucine, which is neutral and non-polar, with valine, which is neutral and non-polar, at codon 234 of the POLE protein (p.Ile234Val). This variant is present in population databases (rs779229533, gnomAD 0.007%). This variant has not been reported in the literature in individuals affected with POLE-related conditions. ClinVar contains an entry for this variant (Variation ID: 801271). Invitae Evidence Modeling of protein sequence and biophysical properties (such as structural, functional, and spatial information, amino acid conservation, physicochemical variation, residue mobility, and thermodynamic stability) indicates that this missense variant is expected to disrupt POLE protein function with a positive predictive value of 80%. In summary, the available evidence is currently insufficient to determine the role of this variant in disease. Therefore, it has been classified as a Variant of Uncertain Significance.

Ambry Genetics
Classification: Uncertain significance for Hereditary cancer-predisposing syndrome. Last evaluated: 2025-11-04. Review status: criteria provided, single submitter. Criteria: Ambry Variant Classification Scheme 2023. Collection method: clinical testing. Allele origin: germline.
Comment: The p.I234V variant (also known as c.700A>G), located in coding exon 7 of the POLE gene, results from an A to G substitution at nucleotide position 700. The isoleucine at codon 234 is replaced by valine, an amino acid with highly similar properties. This amino acid position is highly conserved in available vertebrate species. In addition, this alteration is predicted to be tolerated by in silico analysis. Based on the available evidence, the clinical significance of this variant remains unclear.

Quest Diagnostics Nichols Institute San Juan Capistrano
Classification: Uncertain significance. Last evaluated: 2019-07-15. Review status: criteria provided, single submitter. Criteria: Quest Diagnostics criteria. Collection method: clinical testing. Allele origin: germline.